The following is an entry in ClinVar:

NM_000257.4(MYH7):c.3457G>A (p.Ala1153Thr)

Gene: MYH7 (myosin heavy chain 7; minus strand). Cytogenetic location: 14q11.2.
Variant type: single nucleotide variant.
Coding change: c.3457G>A on transcript NM_000257.4 (MANE Select); coding-DNA position 3457, G replaced by A.
Protein change: p.Ala1153Thr; replaces alanine 1153 with threonine.
Molecular consequence: missense variant.
Genome position (GRCh38, 1-based): chr14:23,420,114, C>T on the plus strand (G>A on the coding strand, the complement: MYH7 is on the minus strand). VCF-style: chr14-23420114-C-T. GRCh37 (hg19) VCF-style: chr14-23889323-C-T.
Other names: short protein forms A1153T.
Identifiers: ClinVar variation 840785 (VCV000840785.11), dbSNP rs774812187, ClinGen allele CA037451.

ClinVar aggregate classification (germline): Uncertain significance. Review status: criteria provided, multiple submitters, no conflicts (2 of 4 stars). 5 submissions from 5 submitters: Uncertain significance (5). Last evaluated 2025-12-24.

Conditions:
Hypertrophic cardiomyopathy. Also called: HYPERTROPHIC MYOCARDIOPATHY. Identifiers: Orphanet 217569, MedGen C0007194, MeSH D002312, MONDO:0005045, HP:0001639.
Cardiovascular phenotype. Identifiers: MedGen CN230736.
Myopathy, myosin storage, autosomal recessive (CMYO7B). Also called: CONGENITAL MYOPATHY 7B, MYOSIN STORAGE, AUTOSOMAL RECESSIVE. Identifiers: Orphanet 636970, MedGen C1850709, MONDO:0009708, OMIM 255160.
Congenital myopathy with fiber type disproportion. Also called: Congenital fiber-type disproportion; Congenital fiber-type disproportion myopathy. Identifiers: Orphanet 2020, MedGen C0546264, MONDO:0009711. Inheritance: all.
Dilated cardiomyopathy 1S (CMD1S). Identifiers: Orphanet 154, Orphanet 54260, MedGen C1834481, MONDO:0013262, OMIM 613426.
MYH7-related skeletal myopathy. Also called: Myopathy, distal, 1; MYOPATHY, DISTAL, EARLY-ONSET, AUTOSOMAL DOMINANT; MYOPATHY, LATE DISTAL HEREDITARY; Laing distal myopathy; Laing early-onset distal myopathy. Identifiers: Orphanet 59135, MedGen C4552004, MONDO:0008050, OMIM 160500.
Myosin storage myopathy (CMYO7A). Also called: SCAPULOPERONEAL MUSCULAR DYSTROPHY; SCAPULOPERONEAL SYNDROME, MYOPATHIC TYPE; Scapuloperoneal myopathy, MYH7-related; MYOPATHY, HYALINE BODY, AUTOSOMAL DOMINANT; MYOPATHY WITH LYSIS OF TYPE I MYOFIBRILS; MYH7-related late-onset scapuloperoneal muscular dystrophy. Identifiers: Orphanet 437572, Orphanet 636965, MedGen C1842160, MONDO:0008409, OMIM 608358.
Hypertrophic cardiomyopathy 1 (CMH1). Also called: Familial hypertrophic cardiomyopathy 1; MYH7-Related Familial Hypertrophic Cardiomyopathy. Identifiers: MedGen C3495498, MONDO:0008647, OMIM 192600.
Cardiomyopathy (CMYO). Also called: Cardiomyopathies. Identifiers: Orphanet 167848, MedGen C0878544, MONDO:0004994, HP:0001638. Inheritance: Various modes of inheritance.

Allele frequency attached by ClinVar (database versions not stated): TOPMed below 0.00001; ExAC 0.00001; gnomAD 0.00001; gnomAD exomes 0.00001.

Submissions (5):

Labcorp Genetics (formerly Invitae), Labcorp
Classification: Uncertain significance for Hypertrophic cardiomyopathy. Last evaluated: 2025-12-24. Review status: criteria provided, single submitter. Criteria: Invitae Variant Classification Sherloc (09022015). Collection method: clinical testing. Allele origin: germline.
Comment: This sequence change replaces alanine, which is neutral and non-polar, with threonine, which is neutral and polar, at codon 1153 of the MYH7 protein (p.Ala1153Thr). This variant is present in population databases (rs774812187, gnomAD 0.003%). This variant has not been reported in the literature in individuals affected with MYH7-related conditions. ClinVar contains an entry for this variant (Variation ID: 840785). Invitae Evidence Modeling of protein sequence and biophysical properties (such as structural, functional, and spatial information, amino acid conservation, physicochemical variation, residue mobility, and thermodynamic stability) indicates that this missense variant is expected to disrupt MYH7 protein function with a positive predictive value of 95%. In summary, the available evidence is currently insufficient to determine the role of this variant in disease. Therefore, it has been classified as a Variant of Uncertain Significance.

All of Us Research Program, National Institutes of Health
Classification: Uncertain significance for Cardiomyopathy. Last evaluated: 2023-12-18. Review status: criteria provided, single submitter. Criteria: ACMG Guidelines, 2015. Collection method: clinical testing. Allele origin: germline. Inheritance: Autosomal dominant inheritance. Observed: 3 variant alleles, 3 heterozygotes.
Comment: This missense variant replaces alanine with threonine at codon 1153 of the MYH7 protein. Computational prediction is inconclusive regarding the impact of this variant on protein structure and function (internally defined REVEL score threshold 0.5 < inconclusive < 0.7, PMID: 27666373). To our knowledge, functional studies have not been reported for this variant. This variant has not been reported in individuals affected with MYH7-related disorders in the literature. This variant has been identified in 3/235768 chromosomes in the general population by the Genome Aggregation Database (gnomAD). The available evidence is insufficient to determine the role of this variant in disease conclusively. Therefore, this variant is classified as a Variant of Uncertain Significance.

This study involves interpretation of variants in research participants for the purpose of population health screening. Participant phenotype was not available at the time of variant classification. Additional details can be found in publication PMID: 35346344, PMCID: PMC8962531

Blueprint Genetics
Classification: Uncertain significance. Last evaluated: 2023-03-10. Review status: criteria provided, single submitter. Criteria: ACMG Guidelines, 2015. Collection method: clinical testing. Allele origin: germline.

Fulgent Genetics
Classification: Uncertain significance for MYH7-related skeletal myopathy; Myosin storage myopathy; Hypertrophic cardiomyopathy 1; Myopathy, myosin storage, autosomal recessive; Congenital myopathy 4A, autosomal dominant; Dilated cardiomyopathy 1S. Last evaluated: 2021-07-02. Review status: criteria provided, single submitter. Criteria: ACMG Guidelines, 2015. Collection method: clinical testing. Allele origin: unknown.

Ambry Genetics
Classification: Uncertain significance for Cardiovascular phenotype. Last evaluated: 2020-11-16. Review status: criteria provided, single submitter. Criteria: Ambry Variant Classification Scheme 2023. Collection method: clinical testing. Allele origin: germline.
Comment: The p.A1153T variant (also known as c.3457G>A), located in coding exon 25 of the MYH7 gene, results from a G to A substitution at nucleotide position 3457. The alanine at codon 1153 is replaced by threonine, an amino acid with similar properties. This amino acid position is highly conserved in available vertebrate species. In addition, the in silico prediction for this alteration is inconclusive. Since supporting evidence is limited at this time, the clinical significance of this alteration remains unclear.